The following is an entry in ClinVar:

ClinVar aggregate classification (germline): Likely benign (0 of 4 stars; one submission).

Conditions:
PKD1L1-related disorder. Also called: PKD1L1-related condition.

gnomAD v4.1: 42 of 1,613,304 alleles (0.0026%); highest among the groups gnomAD compares: African/African-American, 0.032%; no homozygotes.

Submission:

PreventionGenetics, part of Exact Sciences
Classification: Likely benign for PKD1L1-related condition. Last evaluated: 2024-06-21. Review status: no assertion criteria provided. Collection method: clinical testing. Allele origin: germline.
Comment: This variant is classified as likely benign based on ACMG/AMP sequence variant interpretation guidelines (Richards et al. 2015 PMID: 25741868, with internal and published modifications).

NM_138295.5(PKD1L1):c.4131C>T (p.Leu1377=)

Gene: PKD1L1 (polycystin 1 like 1, transient receptor potential channel interacting; minus strand). Cytogenetic location: 7p12.3.
Variant type: single nucleotide variant.
Coding change: c.4131C>T on transcript NM_138295.5 (MANE Select); coding-DNA position 4131, C replaced by T.
Protein change: p.Leu1377=; no amino-acid change (leucine 1377 retained).
Molecular consequence: synonymous variant.
Genome position (GRCh38, 1-based): chr7:47,865,234, G>A on the plus strand (C>T on the coding strand, the complement: PKD1L1 is on the minus strand). VCF-style: chr7-47865234-G-A. GRCh37 (hg19) VCF-style: chr7-47904832-G-A.
Identifiers: ClinVar variation 3351567 (VCV003351567.1).